The following is an entry in ClinVar:

ClinVar aggregate classification (germline): Uncertain significance (1 of 4 stars; one submission).

Submission:

GeneDx
Classification: Uncertain significance. Last evaluated: 2022-06-01. Review status: criteria provided, single submitter. Criteria: GeneDx Variant Classification Process June 2021. Collection method: clinical testing. Allele origin: germline. Affected: yes.
Comment: Not observed at significant frequency in large population cohorts (gnomAD); In silico analysis supports that this missense variant has a deleterious effect on protein structure/function; Has not been previously published as pathogenic or benign to our knowledge

NM_002335.4(LRP5):c.3277A>T (p.Ile1093Phe)

Gene: LRP5 (LDL receptor related protein 5; plus strand). Cytogenetic location: 11q13.2.
Variant type: single nucleotide variant.
Coding change: c.3277A>T on transcript NM_002335.4 (MANE Select); coding-DNA position 3277, A replaced by T.
Protein change: p.Ile1093Phe; replaces isoleucine 1093 with phenylalanine.
Molecular consequence: missense variant.
Genome position (GRCh38, 1-based): chr11:68,425,142, A>T. VCF-style: chr11-68425142-A-T. GRCh37 (hg19) VCF-style: chr11-68192610-A-T.
Other names: c.1534A>T, p.Ile512Phe (NM_001291902.2); short protein forms I1093F, I512F.
Identifiers: ClinVar variation 1802000 (VCV001802000.1), dbSNP rs780548194, ClinGen allele CA381621356.